The following is an entry in ClinVar:

ClinVar aggregate classification (germline): Likely pathogenic (1 of 4 stars; one submission).

Conditions:
Pulmonary fibrosis and/or bone marrow failure, Telomere-related, 4. Also called: PULMONARY FIBROSIS AND/OR BONE MARROW FAILURE SYNDROME, TELOMERE-RELATED, 4. Identifiers: Orphanet 2032, MedGen C4225347, MONDO:0014612, OMIM 616371.

gnomAD v4.1: 6 of 1,573,808 alleles (0.00038%); highest among the groups gnomAD compares: Non-Finnish European, 0.00052%; no homozygotes.

Submission:

Victorian Clinical Genetics Services, Murdoch Childrens Research Institute
Classification: Likely pathogenic for Pulmonary fibrosis and/or bone marrow failure, Telomere-related, 4. Last evaluated: 2026-02-23. Review status: criteria provided, single submitter. Criteria: ACMG Guidelines, 2015. Collection method: clinical testing. Allele origin: germline. Affected: yes.
Comment: This variant is classified as Likely pathogenic. Evidence in support of pathogenic classification: Canonical splice site variant without proven consequence on splicing (no functional evidence available); Variant is present in gnomAD <0.01 (v4: 6 heterozygote(s), 0 homozygote(s)); Abnormal splicing is predicted by in silico tool and affected nucleotide is highly conserved. Additional information: This variant is heterozygous; This gene is associated with both recessive and dominant disease. - This variant has no previous evidence of pathogenicity; No published evidence of segregation with disease has been identified for this variant; No published functional evidence has been identified for this variant; No comparable splice variants have previous evidence for pathogenicity; Loss of function is a known mechanism of disease in this gene and is associated with dyskeratosis congenita, autosomal recessive 6 (MIM#616353) and pulmonary fibrosis and/or bone marrow failure, telomere-related, 4 (MIM#616371). - The condition associated with this gene has incomplete penetrance (PMID: 25848748). - Variants in this gene are known to have variable expressivity. Intra-familial variability has been reported (PMID: 20301779) - Inheritance information for this variant is not currently available in this individual.

Literature cited by the submitters: PubMed 25848748; PubMed 20301779.

NM_002582.4(PARN):c.98-2A>C

Gene: PARN (poly(A)-specific ribonuclease; minus strand). Cytogenetic location: 16p13.12.
Variant type: single nucleotide variant.
Coding change: c.98-2A>C on transcript NM_002582.4 (MANE Select); the canonical splice acceptor site of the intron before coding-DNA position 98, A replaced by C.
Molecular consequence: splice acceptor variant.
Genome position (GRCh38, 1-based): chr16:14,628,253, T>G on the plus strand (A>C on the coding strand, the complement: PARN is on the minus strand). VCF-style: chr16-14628253-T-G. GRCh37 (hg19) VCF-style: chr16-14722110-T-G.
Other names: c.-86-2A>C (NM_001134477.3); c.98-2A>C (NM_001242992.2).
Identifiers: ClinVar variation 4879594 (VCV004879594.1).